The following is an entry in ClinVar:

ClinVar aggregate classification (germline): Likely benign (0 of 4 stars; one submission).

Conditions:
PLXNA4-related disorder. Also called: PLXNA4-related condition.

Allele frequency attached by ClinVar (database versions not stated): ExAC 0.00001; gnomAD exomes 0.00001; TOPMed 0.00001; gnomAD 0.00002; ESP Exome Variant Server 0.00008.
gnomAD v4.1: 22 of 1,612,550 alleles (0.0014%); highest among the groups gnomAD compares: South Asian, 0.0033%; no homozygotes.

Submission:

PreventionGenetics, part of Exact Sciences
Classification: Likely benign for PLXNA4-related condition. Last evaluated: 2021-12-15. Review status: no assertion criteria provided. Collection method: clinical testing. Allele origin: germline.
Comment: This variant is classified as likely benign based on ACMG/AMP sequence variant interpretation guidelines (Richards et al. 2015 PMID: 25741868, with internal and published modifications).

NM_020911.2(PLXNA4):c.2277C>T (p.Ser759=)

Gene: PLXNA4 (plexin A4; minus strand). Cytogenetic location: 7q32.3.
Variant type: single nucleotide variant.
Coding change: c.2277C>T on transcript NM_020911.2 (MANE Select); coding-DNA position 2277, C replaced by T.
Protein change: p.Ser759=; no amino-acid change (serine 759 retained).
Molecular consequence: synonymous variant.
Genome position (GRCh38, 1-based): chr7:132,210,964, G>A on the plus strand (C>T on the coding strand, the complement: PLXNA4 is on the minus strand). VCF-style: chr7-132210964-G-A. GRCh37 (hg19) VCF-style: chr7-131895723-G-A.
Other names: c.2277C>T, p.Ser759= (NM_001393897.1).
Identifiers: ClinVar variation 3045649 (VCV003045649.2), dbSNP rs371117222, ClinGen allele CA4489856.